The following is an entry in ClinVar:

NM_178822.5(IGSF10):c.2360C>T (p.Pro787Leu)

Gene: IGSF10 (immunoglobulin superfamily member 10; minus strand). Cytogenetic location: 3q25.1.
Variant type: single nucleotide variant.
Coding change: c.2360C>T on transcript NM_178822.5 (MANE Select); coding-DNA position 2360, C replaced by T.
Protein change: p.Pro787Leu; replaces proline 787 with leucine.
Molecular consequence: missense variant.
Genome position (GRCh38, 1-based): chr3:151,447,621, G>A on the plus strand (C>T on the coding strand, the complement: IGSF10 is on the minus strand). VCF-style: chr3-151447621-G-A. GRCh37 (hg19) VCF-style: chr3-151165409-G-A.
Other names: c.2360C>T, p.Pro787Leu (NM_001385060.1, NM_001385061.1, NM_001385062.1 and 1 more transcripts); short protein forms P787L.
Identifiers: ClinVar variation 2055147 (VCV002055147.26), dbSNP rs140241435, ClinGen allele CA2670356.

ClinVar aggregate classification (germline): Conflicting classifications of pathogenicity. Review status: criteria provided, conflicting classifications (1 of 4 stars). 2 submissions from 2 submitters: Uncertain significance (1); Likely benign (1). Last evaluated 2026-06-01.

Allele frequency attached by ClinVar (database versions not stated): 1000 Genomes Project 0.00020; 1000 Genomes Project 30x 0.00047; gnomAD 0.00052; ExAC 0.00070; TOPMed 0.00074; ESP Exome Variant Server 0.00092.

Submissions (2):

CeGaT Center for Human Genetics Tuebingen
Classification: Likely benign. Last evaluated: 2026-06-01. Review status: criteria provided, single submitter. Criteria: CeGaT Center For Human Genetics Tuebingen Variant Classification Criteria Version 2. Collection method: clinical testing. Allele origin: germline. Affected: yes. Observed: 3 variant alleles.
Comment: IGSF10: BP4, BS2

Labcorp Genetics (formerly Invitae), Labcorp
Classification: Uncertain significance. Last evaluated: 2025-10-02. Review status: criteria provided, single submitter. Criteria: Invitae Variant Classification Sherloc (09022015). Collection method: clinical testing. Allele origin: germline.
Comment: This sequence change replaces proline, which is neutral and non-polar, with leucine, which is neutral and non-polar, at codon 787 of the IGSF10 protein (p.Pro787Leu). This variant is present in population databases (rs140241435, gnomAD 0.1%), and has an allele count higher than expected for a pathogenic variant. This variant has not been reported in the literature in individuals affected with IGSF10-related conditions. ClinVar contains an entry for this variant (Variation ID: 2055147). An algorithm developed to predict the effect of missense changes on protein structure and function outputs the following: PolyPhen-2: "Benign". The leucine amino acid residue is found in multiple mammalian species, which suggests that this missense change does not adversely affect protein function. In summary, the available evidence is currently insufficient to determine the role of this variant in disease. Therefore, it has been classified as a Variant of Uncertain Significance.